The following is an entry in ClinVar:

ClinVar aggregate classification (germline): Uncertain significance (1 of 4 stars; one submission).

Conditions:
Cardiovascular phenotype. Identifiers: MedGen CN230736.

Submission:

Ambry Genetics
Classification: Uncertain significance for Cardiovascular phenotype. Last evaluated: 2026-08-29. Review status: criteria provided, single submitter. Criteria: Ambry Variant Classification Scheme 2023. Collection method: clinical testing. Allele origin: germline.
Comment: The p.G228S variant (also known as c.682G>A), located in coding exon 1 of the CHST14 gene, results from a G to A substitution at nucleotide position 682. The glycine at codon 228 is replaced by serine, an amino acid with similar properties. This amino acid position is conserved. In addition, the in silico prediction for this alteration is inconclusive. Based on the available evidence, the clinical significance of this variant remains unclear.

NM_130468.4(CHST14):c.682G>A (p.Gly228Ser)

Gene: CHST14 (carbohydrate sulfotransferase 14; plus strand). Cytogenetic location: 15q15.1.
Variant type: single nucleotide variant.
Coding change: c.682G>A on transcript NM_130468.4 (MANE Select); coding-DNA position 682, G replaced by A.
Protein change: p.Gly228Ser; replaces glycine 228 with serine.
Molecular consequence: missense variant.
Genome position (GRCh38, 1-based): chr15:40,471,895, G>A. VCF-style: chr15-40471895-G-A. GRCh37 (hg19) VCF-style: chr15-40764094-G-A.
Other names: short protein forms G228S.
Identifiers: ClinVar variation 5034598 (VCV005034598.1).